The following is an entry in ClinVar:

ClinVar aggregate classification (germline): Likely benign. Review status: criteria provided, single submitter (1 of 4 stars). 2 submissions from 2 submitters: Likely benign (1). 1 of the submissions does not count toward it. Last evaluated 2022-09-21.

Conditions:
PLXNA1-related disorder. Also called: PLXNA1-related condition.

Allele frequency attached by ClinVar (database versions not stated): gnomAD exomes 0.00005; ExAC 0.00022; 1000 Genomes Project 30x 0.00031; 1000 Genomes Project 0.00040; ESP Exome Variant Server 0.00046; gnomAD 0.00056; TOPMed 0.00059.
gnomAD v4.1: 162 of 1,606,078 alleles (0.01%); highest among the groups gnomAD compares: African/African-American, 0.19%; no homozygotes.

Submissions (2):

Labcorp Genetics (formerly Invitae), Labcorp
Classification: Likely benign. Last evaluated: 2022-09-21. Review status: criteria provided, single submitter. Criteria: Invitae Variant Classification Sherloc (09022015). Collection method: clinical testing. Allele origin: germline.

PreventionGenetics, part of Exact Sciences
Classification: Likely benign for PLXNA1-related condition. Last evaluated: 2022-05-06. Review status: no assertion criteria provided. Collection method: clinical testing. Allele origin: germline. Not counted in ClinVar's aggregate classification.
Comment: This variant is classified as likely benign based on ACMG/AMP sequence variant interpretation guidelines (Richards et al. 2015 PMID: 25741868, with internal and published modifications).

NM_032242.4(PLXNA1):c.5631G>A (p.Arg1877=)

Gene: PLXNA1 (plexin A1; plus strand). Cytogenetic location: 3q21.3.
Variant type: single nucleotide variant.
Coding change: c.5631G>A on transcript NM_032242.4 (MANE Select); coding-DNA position 5631, G replaced by A.
Protein change: p.Arg1877=; no amino-acid change (arginine 1877 retained).
Molecular consequence: synonymous variant.
Genome position (GRCh38, 1-based): chr3:127,033,957, G>A. VCF-style: chr3-127033957-G-A. GRCh37 (hg19) VCF-style: chr3-126752800-G-A.
Other names: c.5631G>A (NM_032242.3).
Identifiers: ClinVar variation 1990360 (VCV001990360.6), dbSNP rs148500933, ClinGen allele CA2594744.